The following is an entry in ClinVar:

ClinVar aggregate classification (germline): Uncertain significance (1 of 4 stars; one submission).

Conditions:
Autosomal recessive limb-girdle muscular dystrophy type 2P. Also called: MUSCULAR DYSTROPHY-DYSTROGLYCANOPATHY, LIMB-GIRDLE, DAG1-RELATED; Limb-Girdle Muscular Dystrophy Type 9C; MUSCULAR DYSTROPHY, LIMB-GIRDLE, TYPE 2P. Identifiers: Orphanet 280333, MedGen C4511963, MONDO:0013440, OMIM 613818.
Muscular dystrophy-dystroglycanopathy (congenital with brain and eye anomalies), type A9. Also called: Muscular dystrophy-dystroglycanopathy (congenital with brain and eye anomalies), type a, 9; WALKER-WARBURG SYNDROME OR MUSCLE-EYE BRAIN DISEASE, DAG1-RELATED. Identifiers: Orphanet 370997, Orphanet 899, MedGen C4225291, MONDO:0014683, OMIM 616538.

Submission:

Labcorp Genetics (formerly Invitae), Labcorp
Classification: Uncertain significance for Autosomal recessive limb-girdle muscular dystrophy type 2P; Muscular dystrophy-dystroglycanopathy (congenital with brain and eye anomalies), type A9. Last evaluated: 2022-01-06. Review status: criteria provided, single submitter. Criteria: Invitae Variant Classification Sherloc (09022015). Collection method: clinical testing. Allele origin: germline.
Comment: This sequence change creates a premature translational stop signal (p.Ser336Profs*47) in the DAG1 gene. While this is not anticipated to result in nonsense mediated decay, it is expected to disrupt the last 560 amino acid(s) of the DAG1 protein. This variant is not present in population databases (gnomAD no frequency). This variant has not been reported in the literature in individuals affected with DAG1-related conditions. ClinVar contains an entry for this variant (Variation ID: 1051793). Experimental studies and prediction algorithms are not available or were not evaluated, and the functional significance of this variant is currently unknown. In summary, the available evidence is currently insufficient to determine the role of this variant in disease. Therefore, it has been classified as a Variant of Uncertain Significance.

NM_004393.6(DAG1):c.1005del (p.Ser336fs)

Gene: DAG1 (dystroglycan 1; plus strand). Cytogenetic location: 3p21.31.
Variant type: Deletion.
Coding change: c.1005del on transcript NM_004393.6 (MANE Select); coding-DNA position 1005, one base deleted (A; older notation c.1005delA).
Protein change: p.Ser336fs; shifts the reading frame from serine 336.
Molecular consequence: frameshift variant.
Genome position (GRCh38, 1-based): chr3:49,531,516, A deleted. VCF-style (leftmost placement, unchanged base first): chr3-49531515-CA-C. GRCh37 (hg19) VCF-style: chr3-49568948-CA-C.
Other names: c.1005del, p.Ser336fs (NM_001165928.4, NM_001177634.3, NM_001177635.3 and 9 more transcripts); short protein forms S336fs.
Identifiers: ClinVar variation 1051793 (VCV001051793.5), dbSNP rs2107932056, ClinGen allele CA2499216912.
Genomic context (GRCh38, chr3:49,531,515, plus strand): 5'-ATGCTACACCCACACCTGTCACTGCCATTGGGCCCCCAACCACGGCTATCCAGGAGCCCC[CA>C]TCCAGGATCGTGCCAACCCCCACATCTCCAGCCATTGCTCCTCCAACAGAGACCATGGCT-3'